The following is an entry in ClinVar:

ClinVar aggregate classification (germline): Likely benign. Review status: criteria provided, single submitter (1 of 4 stars). 2 submissions from 2 submitters: Likely benign (1). 1 of the submissions does not count toward it. Last evaluated 2019-12-31.

Conditions:
NRP1-related disorder. Also called: NRP1-related condition.

Allele frequency attached by ClinVar (database versions not stated): gnomAD exomes below 0.00001; TOPMed 0.00001; gnomAD 0.00006.
gnomAD v4.1: 12 of 1,613,690 alleles (0.00074%); highest among the groups gnomAD compares: Admixed American, 0.015%; no homozygotes.

Submissions (2):

Labcorp Genetics (formerly Invitae), Labcorp
Classification: Likely benign. Last evaluated: 2019-12-31. Review status: criteria provided, single submitter. Criteria: Invitae Variant Classification Sherloc (09022015). Collection method: clinical testing. Allele origin: germline.

PreventionGenetics, part of Exact Sciences
Classification: Likely benign for NRP1-related condition. Last evaluated: 2019-02-22. Review status: no assertion criteria provided. Collection method: clinical testing. Allele origin: germline. Not counted in ClinVar's aggregate classification.
Comment: This variant is classified as likely benign based on ACMG/AMP sequence variant interpretation guidelines (Richards et al. 2015 PMID: 25741868, with internal and published modifications).

NM_003873.7(NRP1):c.549A>G (p.Ser183=)

Genes: NRP1 (neuropilin 1; minus strand), LOC126860910 (P300/CBP strongly-dependent group 1 enhancer GRCh37_chr10:33552654-33553853; plus strand). Cytogenetic location: 10p11.22.
Variant type: single nucleotide variant.
Coding change: c.549A>G on transcript NM_003873.7 (MANE Select); coding-DNA position 549, A replaced by G.
Protein change: p.Ser183=; no amino-acid change (serine 183 retained).
Molecular consequence: synonymous variant. On other transcripts: non-coding transcript variant (1).
Genome position (GRCh38, 1-based): chr10:33,263,755, T>C on the plus strand (A>G on the coding strand, the complement: NRP1 is on the minus strand). VCF-style: chr10-33263755-T-C. GRCh37 (hg19) VCF-style: chr10-33552683-T-C.
Other names: c.549A>G, p.Ser183= (NM_001024628.3, NM_001024629.3, NM_001244972.2 and 2 more transcripts).
Identifiers: ClinVar variation 780136 (VCV000780136.6), dbSNP rs1056363482, ClinGen allele CA205486417.
Genomic context (GRCh38, chr10:33,263,755, plus strand): 5'-CCCCCCTGGAGGATTTGAGTCAGGCTCCAGGTCAAAGCTTTCAAATTCCAGGATAATCTC[T>C]GACATCTTTGGCACAAAGACAATATAAGTGCATTCAAGGCTGTTGGGATATTTTTCAGGG-3'
Protein context (NP_003864.5, residues 173-193): CTYIVFVPKM[Ser183=]EIILEFESFD